The following is an entry in ClinVar:

ClinVar aggregate classification (germline): Uncertain significance (1 of 4 stars; one submission).

Conditions:
Hypertrophic cardiomyopathy 1 (CMH1). Also called: MYH7-Related Familial Hypertrophic Cardiomyopathy; Familial hypertrophic cardiomyopathy 1. Identifiers: MedGen C3495498, MONDO:0008647, OMIM 192600.

Submission:

Agnes Ginges Centre for Molecular Cardiology, Centenary Institute
Classification: Uncertain significance for Hypertrophic cardiomyopathy 1. Last evaluated: 2019-07-02. Review status: criteria provided, single submitter. Criteria: ACMG Guidelines, 2015. Collection method: research. Allele origin: germline. Inheritance: Autosomal dominant inheritance. Affected: yes.
Comment: This MYH7 Val186Leu variant has not previously been described in the literature. The variant is absent in the Genome Aggregation Database. In silico models are inconsistent with SIFT and MutationTaster both predicting the change to be "deleterious" and "disease-causing" while PolyPhen-2 predicts the change to be "benign". The rarity of this variant in in the general population, and the results from family screening, suggests MYH7 Val186Leu may be a likely pathogenic candidate. However, the number of family members are too small to completely exclude a benign role. Stronger segregation data and/or other functional evidence is required to establish its role in disease. Thus, we classify this MYH7 Val186Leu variant as one of "uncertain significance".

Literature cited by the submitters: PubMed 16199542.

NM_000257.4(MYH7):c.556G>C (p.Val186Leu)

Gene: MYH7 (myosin heavy chain 7; minus strand). Cytogenetic location: 14q11.2.
Variant type: single nucleotide variant.
Coding change: c.556G>C on transcript NM_000257.4 (MANE Select); coding-DNA position 556, G replaced by C.
Protein change: p.Val186Leu; replaces valine 186 with leucine.
Molecular consequence: missense variant.
Genome position (GRCh38, 1-based): chr14:23,431,844, C>G on the plus strand (G>C on the coding strand, the complement: MYH7 is on the minus strand). VCF-style: chr14-23431844-C-G. GRCh37 (hg19) VCF-style: chr14-23901053-C-G.
Other names: c.556G>C (LRG_384t1); short protein forms V186L.
Identifiers: ClinVar variation 192309 (VCV000192309.2), dbSNP rs786205906, ClinGen allele CA016286.
Genomic context (GRCh38, chr14:23,431,844, plus strand): 5'-TGCTGCGGTCCCCAATGGCTGCAATAACAGCAAAGTACTGGATGACCCTCTTGGTGTTGA[C>G]TGTCTTCCCTGCTCCGGATTCTCCGCTGTGAAGACAGGGGCTTATTGGGCAGTGAACAAT-3'
Protein context (NP_000248.2, residues 176-196): ITGESGAGKT[Val186Leu]NTKRVIQYFA